The following is an entry in ClinVar:

ClinVar aggregate classification (germline): Likely benign (1 of 4 stars; one submission).

Allele frequency attached by ClinVar (database versions not stated): 1000 Genomes Project 0.00397; 1000 Genomes Project 30x 0.00416; gnomAD 0.00489 and 0.00533; TOPMed 0.00557.
gnomAD v4.1: 538 of 111,268 alleles (0.48%); highest among the groups gnomAD compares: African/African-American, 1.7%; 5 homozygotes.

Submission:

GeneDx
Classification: Likely benign. Last evaluated: 2018-06-19. Review status: criteria provided, single submitter. Criteria: GeneDx Variant Classification (06012015). Collection method: clinical testing. Allele origin: germline. Affected: yes.
Comment: This variant is considered likely benign or benign based on one or more of the following criteria: it is a conservative change, it occurs at a poorly conserved position in the protein, it is predicted to be benign by multiple in silico algorithms, and/or has population frequency not consistent with disease.

NM_000531.6(OTC):c.867+1061G>T

Gene: OTC (ornithine transcarbamylase; plus strand). Cytogenetic location: Xp11.4.
Variant type: single nucleotide variant.
Coding change: c.867+1061G>T on transcript NM_000531.6 (MANE Select); 1061 bases into the intron after coding-DNA position 867, G replaced by T.
Molecular consequence: intron variant.
Genome position (GRCh38, 1-based): chrX:38,410,086, G>T. VCF-style: chrX-38410086-G-T. GRCh37 (hg19) VCF-style: chrX-38269339-G-T.
Identifiers: ClinVar variation 678890 (VCV000678890.1), dbSNP rs181507702, ClinGen allele CA327912099.